The following is an entry in ClinVar:

ClinVar aggregate classification (germline): Uncertain significance. Review status: criteria provided, multiple submitters, no conflicts (2 of 4 stars). 2 submissions from 2 submitters: Uncertain significance (2). Last evaluated 2024-03-20.

Conditions:
Inborn genetic diseases. Identifiers: MedGen C0950123, MeSH D030342.

Allele frequency attached by ClinVar (database versions not stated): ExAC 0.00007; gnomAD exomes 0.00010; ESP Exome Variant Server 0.00015.

Submissions (2):

Ambry Genetics
Classification: Uncertain significance for Inborn genetic diseases. Last evaluated: 2024-03-20. Review status: criteria provided, single submitter. Criteria: Ambry Variant Classification Scheme 2023. Collection method: clinical testing. Allele origin: germline.

GeneDx
Classification: Uncertain significance. Last evaluated: 2021-01-09. Review status: criteria provided, single submitter. Criteria: GeneDx Variant Classification Process June 2021. Collection method: clinical testing. Allele origin: germline. Affected: yes.
Comment: In silico analysis supports that this missense variant does not alter protein structure/function; Has not been previously published as pathogenic or benign to our knowledge

NM_001543.5(NDST1):c.2405T>C (p.Ile802Thr)

Gene: NDST1 (N-deacetylase and N-sulfotransferase 1; plus strand). Cytogenetic location: 5q33.1.
Variant type: single nucleotide variant.
Coding change: c.2405T>C on transcript NM_001543.5 (MANE Select); coding-DNA position 2405, T replaced by C.
Protein change: p.Ile802Thr; replaces isoleucine 802 with threonine.
Molecular consequence: missense variant.
Genome position (GRCh38, 1-based): chr5:150,549,766, T>C. VCF-style: chr5-150549766-T-C. GRCh37 (hg19) VCF-style: chr5-149929328-T-C.
Other names: c.2234T>C, p.Ile745Thr (NM_001301063.2); short protein forms I745T, I802T.
Identifiers: ClinVar variation 1314018 (VCV001314018.3), dbSNP rs146304238, ClinGen allele CA3512954.